The following is an entry in ClinVar:

NM_001903.5(CTNNA1):c.1229A>C (p.Asn410Thr)

Gene: CTNNA1 (catenin alpha 1; plus strand). Cytogenetic location: 5q31.2.
Variant type: single nucleotide variant.
Coding change: c.1229A>C on transcript NM_001903.5 (MANE Select); coding-DNA position 1229, A replaced by C.
Protein change: p.Asn410Thr; replaces asparagine 410 with threonine.
Molecular consequence: missense variant. On other transcripts: 5 prime UTR variant (5), intron variant (2).
Genome position (GRCh38, 1-based): chr5:138,887,575, A>C. VCF-style: chr5-138887575-A-C. GRCh37 (hg19) VCF-style: chr5-138223264-A-C.
Other names: c.1229A>C, p.Asn410Thr (NM_001290307.3, NM_001323982.2, NM_001323983.1 and 3 more transcripts); c.920A>C, p.Asn307Thr (NM_001290309.3); c.860A>C, p.Asn287Thr (NM_001290310.3); c.119A>C, p.Asn40Thr (NM_001290312.1, NM_001323997.1, NM_001323998.1 and 18 more transcripts); c.-279A>C (NM_001324006.1, NM_001324007.1, NM_001324008.1 and 1 more transcripts); c.-154A>C (NM_001324013.1); c.-58+11978A>C (NM_001324012.1); c.-61+11978A>C (NM_001324010.1); short protein forms N410T, N307T, N287T, N40T.
Identifiers: ClinVar variation 2812687 (VCV002812687.3), dbSNP rs2150032599, ClinGen allele CA361133120.

ClinVar aggregate classification (germline): Uncertain significance (1 of 4 stars; one submission).

Submission:

Labcorp Genetics (formerly Invitae), Labcorp
Classification: Uncertain significance. Last evaluated: 2024-04-22. Review status: criteria provided, single submitter. Criteria: Invitae Variant Classification Sherloc (09022015). Collection method: clinical testing. Allele origin: germline.
Comment: This sequence change replaces asparagine, which is neutral and polar, with threonine, which is neutral and polar, at codon 410 of the CTNNA1 protein (p.Asn410Thr). This variant is not present in population databases (gnomAD no frequency). This variant has not been reported in the literature in individuals affected with CTNNA1-related conditions. Advanced modeling of protein sequence and biophysical properties (such as structural, functional, and spatial information, amino acid conservation, physicochemical variation, residue mobility, and thermodynamic stability) performed at Invitae indicates that this missense variant is not expected to disrupt CTNNA1 protein function with a negative predictive value of 80%. In summary, the available evidence is currently insufficient to determine the role of this variant in disease. Therefore, it has been classified as a Variant of Uncertain Significance.